The following is an entry in ClinVar:

NC_000016.9:g.(?_89851242)_(89871820_?)del

Gene: FANCA (FA complementation group A; minus strand). Cytogenetic location: 16q24.3.
Variant type: Deletion.
Identifiers: ClinVar variation 3243284 (VCV003243284.1).

ClinVar aggregate classification (germline): Pathogenic (1 of 4 stars; one submission).

Conditions:
Fanconi anemia (FA). Also called: Fanconi's anemia. Identifiers: Orphanet 84, MedGen C0015625, MeSH D005199, MONDO:0019391.

Submission:

Labcorp Genetics (formerly Invitae), Labcorp
Classification: Pathogenic for Fanconi anemia. Last evaluated: 2023-08-28. Review status: criteria provided, single submitter. Criteria: Invitae Variant Classification Sherloc (09022015). Collection method: clinical testing. Allele origin: unknown.
Comment: This variant is a gross deletion of the genomic region encompassing exon(s) 7-15 of the FANCA gene. This deletion is out-of-frame, and is expected to create a premature termination codon and result in an absent or disrupted protein product. Loss-of-function variants in FANCA are known to be pathogenic (PMID: 19367192). This variant has not been reported in the literature in individuals affected with FANCA-related conditions. For these reasons, this variant has been classified as Pathogenic.

Literature cited by the submitters: PubMed 19367192.